The following is an entry in ClinVar:

ClinVar aggregate classification (germline): Uncertain significance (1 of 4 stars; one submission).

Conditions:
Combined oxidative phosphorylation deficiency. Identifiers: MedGen C4540031, MONDO:0000732.
Charcot-Marie-Tooth Neuropathy X. Identifiers: MedGen CN118851.

Submission:

Labcorp Genetics (formerly Invitae), Labcorp
Classification: Uncertain significance for Charcot-Marie-Tooth Neuropathy X; Combined oxidative phosphorylation deficiency. Last evaluated: 2023-07-16. Review status: criteria provided, single submitter. Criteria: Invitae Variant Classification Sherloc (09022015). Collection method: clinical testing. Allele origin: germline.
Comment: In summary, the available evidence is currently insufficient to determine the role of this variant in disease. Therefore, it has been classified as a Variant of Uncertain Significance. Advanced modeling of protein sequence and biophysical properties (such as structural, functional, and spatial information, amino acid conservation, physicochemical variation, residue mobility, and thermodynamic stability) performed at Invitae indicates that this missense variant is expected to disrupt AIFM1 protein function. This variant has not been reported in the literature in individuals affected with AIFM1-related conditions. This variant is not present in population databases (gnomAD no frequency). This sequence change replaces tyrosine, which is neutral and polar, with cysteine, which is neutral and slightly polar, at codon 560 of the AIFM1 protein (p.Tyr560Cys).

NM_004208.4(AIFM1):c.1679A>G (p.Tyr560Cys)

Genes: AIFM1 (apoptosis inducing factor mitochondria associated 1; minus strand), RAB33A (RAB33A, member RAS oncogene family; plus strand). Cytogenetic location: Xq26.1.
Variant type: single nucleotide variant.
Coding change: c.1679A>G on transcript NM_004208.4 (MANE Select); coding-DNA position 1679, A replaced by G.
Protein change: p.Tyr560Cys; replaces tyrosine 560 with cysteine.
Molecular consequence: missense variant. On other transcripts: 3 prime UTR variant (1), non-coding transcript variant (1).
Genome position (GRCh38, 1-based): chrX:130,130,061, T>C on the plus strand (A>G on the coding strand, the complement: AIFM1 is on the minus strand). VCF-style: chrX-130130061-T-C. GRCh37 (hg19) VCF-style: chrX-129264036-T-C.
Other names: c.662A>G, p.Tyr221Cys (NM_001130846.4); c.*907A>G (NM_001130847.4); c.1667A>G, p.Tyr556Cys (NM_145812.3); short protein forms Y560C, Y221C, Y556C.
Identifiers: ClinVar variation 2934417 (VCV002934417.3), dbSNP rs2523099597, ClinGen allele CA414568442.